The following is an entry in ClinVar:

ClinVar aggregate classification (germline): Uncertain significance. Review status: criteria provided, multiple submitters, no conflicts (2 of 4 stars). 3 submissions from 3 submitters: Uncertain significance (3). Last evaluated 2026-02-10.

Conditions:
Familial episodic pain syndrome with predominantly lower limb involvement. Also called: Episodic pain syndrome, familial, 3. Identifiers: Orphanet 391384, Orphanet 391392, MedGen C3809899, MONDO:0014247, OMIM 615552.
Hereditary sensory and autonomic neuropathy type 7. Also called: HSAN VII; Neuropathy, hereditary sensory and autonomic, type VII. Identifiers: Orphanet 391397, MedGen C3809882, MONDO:0014244, OMIM 615548.

Submissions (3):

GeneDx
Classification: Uncertain significance. Last evaluated: 2026-02-10. Review status: criteria provided, single submitter. Criteria: GeneDx Variant Classification Process June 2021. Collection method: clinical testing. Allele origin: germline.
Comment: In-frame deletion of 1 amino acid in a non-repeat region; In silico analysis suggests that this variant does not alter protein structure/function; Has not been previously published as pathogenic or benign to our knowledge

Labcorp Genetics (formerly Invitae), Labcorp
Classification: Uncertain significance for Familial episodic pain syndrome with predominantly lower limb involvement; Hereditary sensory and autonomic neuropathy type 7. Last evaluated: 2026-01-21. Review status: criteria provided, single submitter. Criteria: Invitae Variant Classification Sherloc (09022015). Collection method: clinical testing. Allele origin: germline.
Comment: This variant, c.134_136del, results in the deletion of 1 amino acid(s) of the SCN11A protein (p.Gly45del), but otherwise preserves the integrity of the reading frame. This variant is present in population databases (rs768121531, gnomAD 0.03%). This variant has not been reported in the literature in individuals affected with SCN11A-related conditions. ClinVar contains an entry for this variant (Variation ID: 565541). Experimental studies and prediction algorithms are not available or were not evaluated, and the functional significance of this variant is currently unknown. In summary, the available evidence is currently insufficient to determine the role of this variant in disease. Therefore, it has been classified as a Variant of Uncertain Significance.

CeGaT Center for Human Genetics Tuebingen
Classification: Uncertain significance. Last evaluated: 2023-04-01. Review status: criteria provided, single submitter. Criteria: CeGaT Center For Human Genetics Tuebingen Variant Classification Criteria Version 2. Collection method: clinical testing. Allele origin: germline. Affected: yes. Observed: 1 variant allele.
Comment: SCN11A: PM4

NM_001349253.2(SCN11A):c.134_136del (p.Gly45del)

Gene: SCN11A (sodium voltage-gated channel alpha subunit 11; minus strand). Cytogenetic location: 3p22.2.
Variant type: Deletion.
Coding change: c.134_136del on transcript NM_001349253.2 (MANE Select); coding-DNA positions 134 to 136, 3 bases deleted (GAG; older notation c.134_136delGAG).
Protein change: p.Gly45del; deletes glycine 45.
Molecular consequence: inframe deletion.
Genome position (GRCh38, 1-based): chr3:38,950,227-38,950,229, CTC deleted on the plus strand (GAG on the coding strand, the reverse complement: SCN11A is on the minus strand); deleting any 3 consecutive bases within chr3:38,950,227-38,950,231 gives the same sequence; the c. name uses the placement nearest the transcript's 3' end. VCF-style (leftmost placement, unchanged base first): chr3-38950226-TCTC-T. GRCh37 (hg19) VCF-style: chr3-38991717-TCTC-T.
Other names: c.134_136del (NM_014139.2); c.134_136delGAG (NM_014139.2); c.134_136del, p.Gly45del (NM_014139.3); short protein forms G45del.
Identifiers: ClinVar variation 565541 (VCV000565541.31), dbSNP rs768121531, ClinGen allele CA2322767.
Genomic context (GRCh38, chr3:38,950,226, plus strand): 5'-TAGAGCTTGGGCAACTTCCTGGAGGCCTTTAGGTCAAGCTGAGGCCGAGGCTGGGGTACT[TCTC>T]CTGTCTGGTCTTTAGACTTCTTTTTCTCCTTTTGGATGGCAATCCGCTTCTCAATTGCAG-3'